The following is an entry in ClinVar:

ClinVar aggregate classification (germline): Uncertain significance (1 of 4 stars; one submission).

Submission:

Women's Health and Genetics/Laboratory Corporation of America, LabCorp
Classification: Uncertain significance. Last evaluated: 2025-04-28. Review status: criteria provided, single submitter. Criteria: LabCorp Variant Classification Summary - May 2015. Collection method: clinical testing. Allele origin: germline.
Comment: Variant summary: SELENON c.802C>G (p.Arg268Gly) results in a non-conservative amino acid change in the encoded protein sequence. Five of five in-silico tools predict a damaging effect of the variant on protein function. The variant was absent in 249328 control chromosomes. The available data on variant occurrences in the general population are insufficient to allow any conclusion about variant significance. To our knowledge, no occurrence of c.802C>G in individuals affected with Eichsfeld Type Congenital Muscular Dystrophy and no experimental evidence demonstrating its impact on protein function have been reported. A different variant affecting the same codon has been classified as pathogenic by our lab (c.802C>T, p.Arg268Cys), supporting the critical relevance of codon 268 to SELENON protein function. No submitters have cited clinical-significance assessments for this variant to ClinVar. Based on the evidence outlined above, the variant was classified as uncertain significance.

NM_206926.2(SELENON):c.700C>G (p.Arg234Gly)

Gene: SELENON (selenoprotein N; plus strand). Cytogenetic location: 1p36.11.
Variant type: single nucleotide variant.
Coding change: c.700C>G on transcript NM_206926.2 (MANE Select); coding-DNA position 700, C replaced by G.
Protein change: p.Arg234Gly; replaces arginine 234 with glycine.
Molecular consequence: missense variant.
Genome position (GRCh38, 1-based): chr1:25,809,080, C>G. VCF-style: chr1-25809080-C-G. GRCh37 (hg19) VCF-style: chr1-26135571-C-G.
Other names: c.802C>G, p.Arg268Gly (NM_020451.3); short protein forms R234G, R268G.
Identifiers: ClinVar variation 3896597 (VCV003896597.2).